The following is an entry in ClinVar:

NM_001166108.2(PALLD):c.145G>A (p.Ala49Thr)

Gene: PALLD (palladin, cytoskeletal associated protein; plus strand). Cytogenetic location: 4q32.3.
Variant type: single nucleotide variant.
Coding change: c.145G>A on transcript NM_001166108.2 (MANE Select); coding-DNA position 145, G replaced by A.
Protein change: p.Ala49Thr; replaces alanine 49 with threonine.
Molecular consequence: missense variant.
Genome position (GRCh38, 1-based): chr4:168,511,649, G>A. VCF-style: chr4-168511649-G-A. GRCh37 (hg19) VCF-style: chr4-169432800-G-A.
Other names: c.145G>A, p.Ala49Thr (NM_016081.4); short protein forms A49T.
Identifiers: ClinVar variation 3226736 (VCV003226736.1), dbSNP rs1402463175, ClinGen allele CA358724767.

ClinVar aggregate classification (germline): Uncertain significance (1 of 4 stars; one submission).

Submission:

Ambry Genetics
Classification: Uncertain significance. Last evaluated: 2023-11-03. Review status: criteria provided, single submitter. Criteria: Ambry Variant Classification Scheme 2023. Collection method: clinical testing. Allele origin: germline.
Comment: The p.A49T variant (also known as c.145G>A), located in coding exon 1 of the PALLD gene, results from a G to A substitution at nucleotide position 145. The alanine at codon 49 is replaced by threonine, an amino acid with similar properties. This amino acid position is conserved. In addition, this alteration is predicted to be tolerated by in silico analysis. Since supporting evidence is limited at this time, the clinical significance of this alteration remains unclear.